The following is an entry in ClinVar:

NM_001366244.2(GOLGA2):c.1233G>A (p.Glu411=)

Gene: GOLGA2 (golgin A2; minus strand). Cytogenetic location: 9q34.11.
Variant type: single nucleotide variant.
Coding change: c.1233G>A on transcript NM_001366244.2 (MANE Select); coding-DNA position 1233, G replaced by A.
Protein change: p.Glu411=; no amino-acid change (glutamic acid 411 retained).
Molecular consequence: synonymous variant.
Genome position (GRCh38, 1-based): chr9:128,261,553, C>T on the plus strand (G>A on the coding strand, the complement: GOLGA2 is on the minus strand). VCF-style: chr9-128261553-C-T. GRCh37 (hg19) VCF-style: chr9-131023832-C-T.
Other names: c.1152G>A, p.Glu384= (NM_001366246.2, NM_001389698.2, NM_004486.6); c.1218G>A, p.Glu406= (NM_001389695.2); c.1233G>A, p.Glu411= (NM_001389696.2); c.1140G>A, p.Glu380= (NM_001389697.2); c.1113G>A, p.Glu371= (NM_001389699.2, NM_001389700.2); c.1071G>A, p.Glu357= (NM_001389701.2); c.1047G>A, p.Glu349= (NM_001389702.2); c.1032G>A, p.Glu344= (NM_001389703.2); and 2 more.
Identifiers: ClinVar variation 4085598 (VCV004085598.8).

ClinVar aggregate classification (germline): Likely benign (1 of 4 stars; one submission).

gnomAD v4.1: 2 of 1,595,666 alleles (0.00013%); highest among the groups gnomAD compares: Non-Finnish European, 0.00017%; no homozygotes.

Submission:

CeGaT Center for Human Genetics Tuebingen
Classification: Likely benign. Last evaluated: 2025-08-01. Review status: criteria provided, single submitter. Criteria: CeGaT Center For Human Genetics Tuebingen Variant Classification Criteria Version 2. Collection method: clinical testing. Allele origin: germline. Affected: yes. Observed: 1 variant allele.
Comment: GOLGA2: BP4, BP7